The following is an entry in ClinVar:

NM_004260.4(RECQL4):c.1198A>G (p.Lys400Glu)

Gene: RECQL4 (RecQ like helicase 4; minus strand). Cytogenetic location: 8q24.3.
Variant type: single nucleotide variant.
Coding change: c.1198A>G on transcript NM_004260.4 (MANE Select); coding-DNA position 1198, A replaced by G.
Protein change: p.Lys400Glu; replaces lysine 400 with glutamic acid.
Molecular consequence: missense variant.
Genome position (GRCh38, 1-based): chr8:144,515,824, T>C on the plus strand (A>G on the coding strand, the complement: RECQL4 is on the minus strand). VCF-style: chr8-144515824-T-C. GRCh37 (hg19) VCF-style: chr8-145741208-T-C.
Other names: c.1198A>G (NM_004260.3); short protein forms K400E.
Identifiers: ClinVar variation 1036633 (VCV001036633.4), dbSNP rs1828083852, ClinGen allele CA372687562.
Genomic context (GRCh38, chr8:144,515,824, plus strand): 5'-CTGGCCGGGGACACTGGGCTGCCCAGTGATCGAACTGCTCGTTCAGGAAACAAGACTCCT[T>C]GGTTGTGACTGTGGCACCACCACCCCCAAAACACTCCCCTTTCTTCCGCCACTTCTGCTT-3'
Protein context (NP_004251.4, residues 390-410): FGGGGATVTT[Lys400Glu]ESCFLNEQFD

ClinVar aggregate classification (germline): Uncertain significance. Review status: criteria provided, multiple submitters, no conflicts (2 of 4 stars). 2 submissions from 2 submitters: Uncertain significance (2). Last evaluated 2025-01-11.

Conditions:
Inborn genetic diseases. Identifiers: MedGen C0950123, MeSH D030342.
Baller-Gerold syndrome (BGS). Also called: CRANIOSYNOSTOSIS WITH RADIAL DEFECTS. Identifiers: Orphanet 1225, MedGen C0265308, MONDO:0009039, OMIM 218600.

Allele frequency attached by ClinVar (database versions not stated): gnomAD exomes below 0.00001.
gnomAD v4.1: 1 of 1,612,890 alleles (0.000062%); highest among the groups gnomAD compares: Non-Finnish European, 0.000085%; no homozygotes.

Submissions (2):

Ambry Genetics
Classification: Uncertain significance for Inborn genetic diseases. Last evaluated: 2025-01-11. Review status: criteria provided, single submitter. Criteria: Ambry Variant Classification Scheme 2023. Collection method: clinical testing. Allele origin: germline.
Comment: The p.K400E variant (also known as c.1198A>G), located in coding exon 6 of the RECQL4 gene, results from an A to G substitution at nucleotide position 1198. The lysine at codon 400 is replaced by glutamic acid, an amino acid with similar properties. This amino acid position is conserved. In addition, this alteration is predicted to be tolerated by in silico analysis. Based on the available evidence, the clinical significance of this variant remains unclear.

Labcorp Genetics (formerly Invitae), Labcorp
Classification: Uncertain significance for Baller-Gerold syndrome. Last evaluated: 2020-06-07. Review status: criteria provided, single submitter. Criteria: Invitae Variant Classification Sherloc (09022015). Collection method: clinical testing. Allele origin: germline.
Comment: This sequence change replaces lysine with glutamic acid at codon 400 of the RECQL4 protein (p.Lys400Glu). The lysine residue is moderately conserved and there is a small physicochemical difference between lysine and glutamic acid. This variant is not present in population databases (ExAC no frequency). This variant has not been reported in the literature in individuals with RECQL4-related conditions. Experimental studies and prediction algorithms are not available or were not evaluated, and the functional significance of this variant is currently unknown. In summary, the available evidence is currently insufficient to determine the role of this variant in disease. Therefore, it has been classified as a Variant of Uncertain Significance.